The following is an entry in ClinVar:

NM_000432.4(MYL2):c.295A>G (p.Ile99Val)

Gene: MYL2 (myosin light chain 2; minus strand). Cytogenetic location: 12q24.11.
Variant type: single nucleotide variant.
Coding change: c.295A>G on transcript NM_000432.4 (MANE Select); coding-DNA position 295, A replaced by G.
Protein change: p.Ile99Val; replaces isoleucine 99 with valine.
Molecular consequence: missense variant.
Genome position (GRCh38, 1-based): chr12:110,913,304, T>C on the plus strand (A>G on the coding strand, the complement: MYL2 is on the minus strand). VCF-style: chr12-110913304-T-C. GRCh37 (hg19) VCF-style: chr12-111351108-T-C.
Other names: short protein forms I99V.
Identifiers: ClinVar variation 1389549 (VCV001389549.6), dbSNP rs2136770879, ClinGen allele CA386698094.

ClinVar aggregate classification (germline): Uncertain significance (1 of 4 stars; one submission).

Conditions:
Hypertrophic cardiomyopathy 10. Also called: MYL2-Related Familial Hypertrophic Cardiomyopathy; CARDIOMYOPATHY, HYPERTROPHIC, MID-LEFT VENTRICULAR CHAMBER TYPE, 2. Identifiers: MedGen C1834460, MONDO:0012112, OMIM 608758.

Allele frequency attached by ClinVar (database versions not stated): gnomAD exomes below 0.00001.

Submission:

Labcorp Genetics (formerly Invitae), Labcorp
Classification: Uncertain significance for Hypertrophic cardiomyopathy 10. Last evaluated: 2022-08-31. Review status: criteria provided, single submitter. Criteria: Invitae Variant Classification Sherloc (09022015). Collection method: clinical testing. Allele origin: germline.
Comment: This variant is not present in population databases (gnomAD no frequency). This variant has not been reported in the literature in individuals affected with MYL2-related conditions. ClinVar contains an entry for this variant (Variation ID: 1389549). Algorithms developed to predict the effect of missense changes on protein structure and function are either unavailable or do not agree on the potential impact of this missense change (SIFT: "Tolerated"; PolyPhen-2: "Possibly Damaging"; Align-GVGD: "Class C0"). This sequence change replaces isoleucine, which is neutral and non-polar, with valine, which is neutral and non-polar, at codon 99 of the MYL2 protein (p.Ile99Val). In summary, the available evidence is currently insufficient to determine the role of this variant in disease. Therefore, it has been classified as a Variant of Uncertain Significance.